The following is an entry in ClinVar:

ClinVar aggregate classification (germline): Uncertain significance (1 of 4 stars; one submission).

Allele frequency attached by ClinVar (database versions not stated): TOPMed below 0.00001; ExAC 0.00002.
gnomAD v4.1: 22 of 1,613,474 alleles (0.0014%); highest among the groups gnomAD compares: Admixed American, 0.01%; no homozygotes.

Submission:

Labcorp Genetics (formerly Invitae), Labcorp
Classification: Uncertain significance. Last evaluated: 2025-09-30. Review status: criteria provided, single submitter. Criteria: Invitae Variant Classification Sherloc (09022015). Collection method: clinical testing. Allele origin: germline.
Comment: This sequence change replaces arginine, which is basic and polar, with glutamine, which is neutral and polar, at codon 54 of the P2RY12 protein (p.Arg54Gln). This variant is present in population databases (rs770337997, gnomAD 0.01%). This variant has not been reported in the literature in individuals affected with P2RY12-related conditions. ClinVar contains an entry for this variant (Variation ID: 1906701). An algorithm developed to predict the effect of missense changes on protein structure and function (PolyPhen-2) suggests that this variant is likely to be tolerated. In summary, the available evidence is currently insufficient to determine the role of this variant in disease. Therefore, it has been classified as a Variant of Uncertain Significance.

NM_022788.5(P2RY12):c.161G>A (p.Arg54Gln)

Genes: MED12L (mediator complex subunit 12L; plus strand), P2RY12 (purinergic receptor P2Y12; minus strand). Cytogenetic location: 3q25.1.
Variant type: single nucleotide variant.
Coding change: c.161G>A on transcript NM_022788.5 (MANE Select); coding-DNA position 161, G replaced by A.
Protein change: p.Arg54Gln; replaces arginine 54 with glutamine.
Molecular consequence: missense variant. On other transcripts: intron variant (2).
Genome position (GRCh38, 1-based): chr3:151,338,685, C>T on the plus strand (G>A on the coding strand, the complement: P2RY12 is on the minus strand). VCF-style: chr3-151338685-C-T. GRCh37 (hg19) VCF-style: chr3-151056473-C-T.
Other names: c.161G>A, p.Arg54Gln (NM_176876.3); c.2251-11374C>T (NM_001393769.1); c.2146-11374C>T (NM_053002.6); short protein forms R54Q.
Identifiers: ClinVar variation 1906701 (VCV001906701.5), dbSNP rs770337997, ClinGen allele CA2667899.